The following is an entry in ClinVar:

ClinVar aggregate classification (germline): Conflicting classifications of pathogenicity. Review status: criteria provided, conflicting classifications (1 of 4 stars). 3 submissions from 3 submitters: Uncertain significance (1); Likely benign (1). 1 of the submissions does not count toward it. Last evaluated 2025-03-18.

Conditions:
CACNA2D4-related disorder. Also called: CACNA2D4-related condition.

Allele frequency attached by ClinVar (database versions not stated): gnomAD 0.00001; TOPMed 0.00002; gnomAD exomes 0.00003; ESP Exome Variant Server 0.00008.
gnomAD v4.1: 20 of 1,553,324 alleles (0.0013%); highest among the groups gnomAD compares: Non-Finnish European, 0.0017%; no homozygotes.

Submissions (3):

Labcorp Genetics (formerly Invitae), Labcorp
Classification: Likely benign. Last evaluated: 2025-03-18. Review status: criteria provided, single submitter. Criteria: Invitae Variant Classification Sherloc (09022015). Collection method: clinical testing. Allele origin: germline.

Blueprint Genetics
Classification: Uncertain significance. Last evaluated: 2023-08-29. Review status: criteria provided, single submitter. Criteria: ACMG Guidelines, 2015. Collection method: clinical testing. Allele origin: germline.

PreventionGenetics, part of Exact Sciences
Classification: Likely benign for CACNA2D4-related condition. Last evaluated: 2024-08-30. Review status: no assertion criteria provided. Collection method: clinical testing. Allele origin: germline. Not counted in ClinVar's aggregate classification.
Comment: This variant is classified as likely benign based on ACMG/AMP sequence variant interpretation guidelines (Richards et al. 2015 PMID: 25741868, with internal and published modifications).

NM_172364.5(CACNA2D4):c.2658+7T>C

Gene: CACNA2D4 (calcium voltage-gated channel auxiliary subunit alpha2delta 4; minus strand). Cytogenetic location: 12p13.33.
Variant type: single nucleotide variant.
Coding change: c.2658+7T>C on transcript NM_172364.5 (MANE Select); 7 bases into the intron after coding-DNA position 2658, T replaced by C.
Molecular consequence: intron variant.
Genome position (GRCh38, 1-based): chr12:1,810,536, A>G on the plus strand (T>C on the coding strand, the complement: CACNA2D4 is on the minus strand). VCF-style: chr12-1810536-A-G. GRCh37 (hg19) VCF-style: chr12-1919702-A-G.
Other names: c.2658+7T>C (NM_172364.4).
Identifiers: ClinVar variation 1940626 (VCV001940626.7), dbSNP rs374502921, ClinGen allele CA231529880.